The following is an entry in ClinVar:

ClinVar aggregate classification (germline): Benign/Likely benign. Review status: criteria provided, multiple submitters, no conflicts (2 of 4 stars). 5 submissions from 5 submitters: Benign (1); Likely benign (4). Last evaluated 2025-08-13.

Conditions:
Familial adenomatous polyposis 1 (FAP1). Also called: POLYPOSIS, ADENOMATOUS INTESTINAL; FAMILIAL ADENOMATOUS POLYPOSIS 1, ATTENUATED. Identifiers: MedGen C2713442, MONDO:0021056, OMIM 175100. Disease mechanism: loss of function.
Classic or attenuated familial adenomatous polyposis. Identifiers: MedGen CN372698, MONDO:0021057.
Hereditary cancer-predisposing syndrome. Also called: Hereditary Cancer Syndrome; Neoplastic Syndromes, Hereditary; Tumor predisposition; Hereditary neoplastic syndrome. Identifiers: Orphanet 140162, MedGen C0027672, MeSH D009386, MONDO:0015356.

Allele frequency attached by ClinVar (database versions not stated): ExAC 0.00001; gnomAD exomes 0.00001.
gnomAD v4.1: 3 of 1,613,896 alleles (0.00019%); highest among the groups gnomAD compares: South Asian, 0.0022%; no homozygotes.

Submissions (5):

Labcorp Genetics (formerly Invitae), Labcorp
Classification: Likely benign for Familial adenomatous polyposis 1. Last evaluated: 2025-08-13. Review status: criteria provided, single submitter. Criteria: Invitae Variant Classification Sherloc (09022015). Collection method: clinical testing. Allele origin: germline.

Myriad Genetics, Inc.
Classification: Benign for Familial adenomatous polyposis 1. Last evaluated: 2024-03-04. Review status: criteria provided, single submitter. Criteria: Myriad Autosomal Dominant, Autosomal Recessive and X-Linked Classification Criteria (2023). Collection method: clinical testing. Allele origin: unknown.
Comment: This variant is considered benign. This variant is a silent/synonymous amino acid change and it is not expected to impact splicing.

All of Us Research Program, National Institutes of Health
Classification: Likely benign for Classic or attenuated familial adenomatous polyposis. Last evaluated: 2023-12-13. Review status: criteria provided, single submitter. Criteria: ACMG Guidelines, 2015. Collection method: clinical testing. Allele origin: germline. Inheritance: Autosomal dominant inheritance. Observed: 2 variant alleles, 2 heterozygotes.
Comment: This study involves interpretation of variants in research participants for the purpose of population health screening. Participant phenotype was not available at the time of variant classification. Additional details can be found in publication PMID: 35346344, PMCID: PMC8962531

Ambry Genetics
Classification: Likely benign for Hereditary cancer-predisposing syndrome. Last evaluated: 2021-09-04. Review status: criteria provided, single submitter. Criteria: Ambry Variant Classification Scheme 2023. Collection method: clinical testing. Allele origin: germline.

Color Diagnostics, LLC DBA Color Health
Classification: Likely benign for Hereditary cancer-predisposing syndrome. Last evaluated: 2016-12-19. Review status: criteria provided, single submitter. Criteria: ACMG Guidelines, 2015. Collection method: clinical testing. Allele origin: germline.

NM_000038.6(APC):c.1489C>T (p.Leu497=)

Gene: APC (APC regulator of Wnt signaling pathway; plus strand). Cytogenetic location: 5q22.2.
Variant type: single nucleotide variant.
Coding change: c.1489C>T on transcript NM_000038.6 (MANE Select); coding-DNA position 1489, C replaced by T.
Protein change: p.Leu497=; no amino-acid change (leucine 497 retained).
Molecular consequence: synonymous variant.
Genome position (GRCh38, 1-based): chr5:112,827,188, C>T. VCF-style: chr5-112827188-C-T. GRCh37 (hg19) VCF-style: chr5-112162885-C-T.
Other names: c.1489C>T, p.Leu497= (NM_001127510.3, NM_001354895.2); c.1435C>T, p.Leu479= (NM_001127511.3); c.1543C>T, p.Leu515= (NM_001354896.2); c.1519C>T, p.Leu507= (NM_001354897.2); c.1414C>T, p.Leu472= (NM_001354898.2); c.1405C>T, p.Leu469= (NM_001354899.2); c.1366C>T, p.Leu456= (NM_001354900.2); c.1312C>T, p.Leu438= (NM_001354901.2); and 5 more.
Identifiers: ClinVar variation 490208 (VCV000490208.7), dbSNP rs768973715, ClinGen allele CA027929.